The following is an entry in ClinVar:

ClinVar aggregate classification (germline): Uncertain significance (1 of 4 stars; one submission).

Conditions:
Multiple endocrine neoplasia, type 2 (MEN2). Identifiers: Orphanet 653, MedGen C4048306, MONDO:0019003. Disease mechanism: gain of function.

Submission:

All of Us Research Program, National Institutes of Health
Classification: Uncertain significance for Multiple endocrine neoplasia, type 2. Last evaluated: 2024-08-06. Review status: criteria provided, single submitter. Criteria: ACMG Guidelines, 2015. Collection method: clinical testing. Allele origin: germline. Inheritance: Autosomal dominant inheritance. Observed: 1 variant allele, 1 heterozygote.
Comment: This study involves interpretation of variants in research participants for the purpose of population health screening. Participant phenotype was not available at the time of variant classification. Additional details can be found in publication PMID: 35346344, PMCID: PMC8962531

NM_020975.6(RET):c.1574G>T (p.Arg525Leu)

Gene: RET (ret proto-oncogene; plus strand). Cytogenetic location: 10q11.21.
Variant type: single nucleotide variant.
Coding change: c.1574G>T on transcript NM_020975.6 (MANE Select); coding-DNA position 1574, G replaced by T.
Protein change: p.Arg525Leu; replaces arginine 525 with leucine.
Molecular consequence: missense variant.
Genome position (GRCh38, 1-based): chr10:43,112,150, G>T. VCF-style: chr10-43112150-G-T. GRCh37 (hg19) VCF-style: chr10-43607598-G-T.
Other names: c.812G>T, p.Arg271Leu (NM_001355216.2); c.1574G>T, p.Arg525Leu (NM_001406743.1, NM_001406744.1, NM_001406759.1 and 4 more transcripts); c.1445G>T, p.Arg482Leu (NM_001406761.1, NM_001406762.1, NM_001406764.1 and 1 more transcripts); c.1286G>T, p.Arg429Leu (NM_001406766.1, NM_001406767.1, NM_001406770.1); c.1178G>T, p.Arg393Leu (NM_001406769.1, NM_001406772.1); c.1136G>T, p.Arg379Leu (NM_001406771.1, NM_001406773.1); c.1049G>T, p.Arg350Leu (NM_001406774.1); c.848G>T, p.Arg283Leu (NM_001406775.1, NM_001406776.1, NM_001406777.1 and 1 more transcripts); and 5 more; short protein forms R271L, R283L, R350L, R379L, R393L, R429L, R42L, R482L.
Identifiers: ClinVar variation 3387594 (VCV003387594.1).